The following is an entry in ClinVar:

ClinVar aggregate classification (germline): Uncertain significance (1 of 4 stars; one submission).

Conditions:
GRN-related frontotemporal lobar degeneration with Tdp43 inclusions (FTD2). Also called: DEMENTIA, HEREDITARY DYSPHASIC DISINHIBITION; FRONTOTEMPORAL LOBAR DEGENERATION WITH UBIQUITIN-POSITIVE INCLUSIONS; FTLD-TDP, GRN-RELATED; GRN Frontotemporal Dementia; FRONTOTEMPORAL DEMENTIA WITH TDP43 INCLUSIONS, GRN-RELATED. Identifiers: Orphanet 100070, Orphanet 282, MedGen C1843792, MONDO:0011842, OMIM 607485. Disease mechanism: loss of function.
Neuronal ceroid lipofuscinosis 11. Also called: GRN-Related Neuronal Ceroid-Lipofuscinosis. Identifiers: Orphanet 314629, Orphanet 79262, MedGen C3539123, MONDO:0013866, OMIM 614706.

Allele frequency attached by ClinVar (database versions not stated): gnomAD exomes below 0.00001; ExAC 0.00001.

Submission:

Labcorp Genetics (formerly Invitae), Labcorp
Classification: Uncertain significance for Neuronal ceroid lipofuscinosis 11; GRN-related frontotemporal lobar degeneration with Tdp43 inclusions. Last evaluated: 2023-06-29. Review status: criteria provided, single submitter. Criteria: Invitae Variant Classification Sherloc (09022015). Collection method: clinical testing. Allele origin: germline.
Comment: Advanced modeling of protein sequence and biophysical properties (such as structural, functional, and spatial information, amino acid conservation, physicochemical variation, residue mobility, and thermodynamic stability) performed at Invitae indicates that this missense variant is expected to disrupt GRN protein function. In summary, the available evidence is currently insufficient to determine the role of this variant in disease. Therefore, it has been classified as a Variant of Uncertain Significance. This variant has not been reported in the literature in individuals affected with GRN-related conditions. This variant is present in population databases (rs63750683, gnomAD 0.003%). This sequence change replaces threonine, which is neutral and polar, with alanine, which is neutral and non-polar, at codon 220 of the GRN protein (p.Thr220Ala).

NM_002087.4(GRN):c.658A>G (p.Thr220Ala)

Gene: GRN (granulin precursor; plus strand). Cytogenetic location: 17q21.31.
Variant type: single nucleotide variant.
Coding change: c.658A>G on transcript NM_002087.4 (MANE Select); coding-DNA position 658, A replaced by G.
Protein change: p.Thr220Ala; replaces threonine 220 with alanine.
Molecular consequence: missense variant.
Genome position (GRCh38, 1-based): chr17:44,350,750, A>G. VCF-style: chr17-44350750-A-G. GRCh37 (hg19) VCF-style: chr17-42428118-A-G.
Other names: short protein forms T220A.
Identifiers: ClinVar variation 1480848 (VCV001480848.6), dbSNP rs63750683, ClinGen allele CA8601966.